The following is an entry in ClinVar:

ClinVar aggregate classification (germline): Uncertain significance. Review status: criteria provided, multiple submitters, no conflicts (2 of 4 stars). 3 submissions from 3 submitters: Uncertain significance (3). Last evaluated 2026-04-05.

Conditions:
Inborn genetic diseases. Identifiers: MedGen C0950123, MeSH D030342.

Allele frequency attached by ClinVar (database versions not stated): gnomAD exomes below 0.00001; gnomAD 0.00002; ExAC 0.00001.
gnomAD v4.1: 8 of 1,613,632 alleles (0.0005%); highest among the groups gnomAD compares: Admixed American, 0.005%; no homozygotes.

Submissions (3):

GeneDx
Classification: Uncertain significance. Last evaluated: 2026-04-05. Review status: criteria provided, single submitter. Criteria: GeneDx Variant Classification Process June 2021. Collection method: clinical testing. Allele origin: germline.
Comment: Has not been previously published as pathogenic or benign to our knowledge; In silico analysis suggests that this missense variant does not alter protein structure/function

Labcorp Genetics (formerly Invitae), Labcorp
Classification: Uncertain significance. Last evaluated: 2025-09-02. Review status: criteria provided, single submitter. Criteria: Invitae Variant Classification Sherloc (09022015). Collection method: clinical testing. Allele origin: germline.
Comment: This sequence change replaces serine, which is neutral and polar, with tyrosine, which is neutral and polar, at codon 877 of the DNA2 protein (p.Ser877Tyr). This variant is present in population databases (rs772662039, gnomAD 0.006%). This variant has not been reported in the literature in individuals affected with DNA2-related conditions. ClinVar contains an entry for this variant (Variation ID: 2192579). Invitae Evidence Modeling of protein sequence and biophysical properties (such as structural, functional, and spatial information, amino acid conservation, physicochemical variation, residue mobility, and thermodynamic stability) indicates that this missense variant is not expected to disrupt DNA2 protein function with a negative predictive value of 80%. In summary, the available evidence is currently insufficient to determine the role of this variant in disease. Therefore, it has been classified as a Variant of Uncertain Significance.

Ambry Genetics
Classification: Uncertain significance for Inborn genetic diseases. Last evaluated: 2024-01-09. Review status: criteria provided, single submitter. Criteria: Ambry Variant Classification Scheme 2023. Collection method: clinical testing. Allele origin: germline.

NM_001080449.3(DNA2):c.2630C>A (p.Ser877Tyr)

Gene: DNA2 (DNA replication helicase/nuclease 2; minus strand). Cytogenetic location: 10q21.3.
Variant type: single nucleotide variant.
Coding change: c.2630C>A on transcript NM_001080449.3 (MANE Select); coding-DNA position 2630, C replaced by A.
Protein change: p.Ser877Tyr; replaces serine 877 with tyrosine.
Molecular consequence: missense variant. On other transcripts: non-coding transcript variant (1).
Genome position (GRCh38, 1-based): chr10:68,422,292, G>T on the plus strand (C>A on the coding strand, the complement: DNA2 is on the minus strand). VCF-style: chr10-68422292-G-T. GRCh37 (hg19) VCF-style: chr10-70182049-G-T.
Other names: c.2630C>A (NM_001080449.2); short protein forms S877Y.
Identifiers: ClinVar variation 2192579 (VCV002192579.6), dbSNP rs772662039, ClinGen allele CA5524773.